The following is an entry in ClinVar:

ClinVar aggregate classification (germline): Uncertain significance. Review status: criteria provided, multiple submitters, no conflicts (2 of 4 stars). 2 submissions from 2 submitters: Uncertain significance (2). Last evaluated 2025-06-28.

Conditions:
Hereditary cancer-predisposing syndrome. Also called: Hereditary neoplastic syndrome; Tumor predisposition; Hereditary Cancer Syndrome; Neoplastic Syndromes, Hereditary. Identifiers: Orphanet 140162, MedGen C0027672, MeSH D009386, MONDO:0015356.
Medulloblastoma (MDB). Also called: MEDULLOBLASTOMA PREDISPOSITION SYNDROME; Medulloblastoma, somatic. Identifiers: Orphanet 616, MedGen C0025149, MeSH D008527, MONDO:0007959, OMIM 155255, HP:0002885.
Gorlin syndrome. Also called: Nevoid Basal Cell Carcinoma Syndrome; Basal cell nevus syndrome. Identifiers: Orphanet 377, MedGen C0004779, MONDO:0007187.

Submissions (2):

Ambry Genetics
Classification: Uncertain significance for Hereditary cancer-predisposing syndrome. Last evaluated: 2025-06-28. Review status: criteria provided, single submitter. Criteria: Ambry Variant Classification Scheme 2023. Collection method: clinical testing. Allele origin: germline.
Comment: The p.N83H variant (also known as c.247A>C), located in coding exon 2 of the SUFU gene, results from an A to C substitution at nucleotide position 247. The asparagine at codon 83 is replaced by histidine, an amino acid with similar properties. This amino acid position is conserved. In addition, this alteration is predicted to be tolerated by in silico analysis. Based on the available evidence, the clinical significance of this variant remains unclear.

Labcorp Genetics (formerly Invitae), Labcorp
Classification: Uncertain significance for Gorlin syndrome; Medulloblastoma. Last evaluated: 2025-03-15. Review status: criteria provided, single submitter. Criteria: Invitae Variant Classification Sherloc (09022015). Collection method: clinical testing. Allele origin: germline.
Comment: This sequence change replaces asparagine, which is neutral and polar, with histidine, which is basic and polar, at codon 83 of the SUFU protein (p.Asn83His). This variant is not present in population databases (gnomAD no frequency). This variant has not been reported in the literature in individuals affected with SUFU-related conditions. ClinVar contains an entry for this variant (Variation ID: 1423376). Invitae Evidence Modeling of protein sequence and biophysical properties (such as structural, functional, and spatial information, amino acid conservation, physicochemical variation, residue mobility, and thermodynamic stability) indicates that this missense variant is not expected to disrupt SUFU protein function with a negative predictive value of 80%. In summary, the available evidence is currently insufficient to determine the role of this variant in disease. Therefore, it has been classified as a Variant of Uncertain Significance.

NM_016169.4(SUFU):c.247A>C (p.Asn83His)

Gene: SUFU (SUFU negative regulator of hedgehog signaling; plus strand). Cytogenetic location: 10q24.32.
Variant type: single nucleotide variant.
Coding change: c.247A>C on transcript NM_016169.4 (MANE Select); coding-DNA position 247, A replaced by C.
Protein change: p.Asn83His; replaces asparagine 83 with histidine.
Molecular consequence: missense variant.
Genome position (GRCh38, 1-based): chr10:102,509,233, A>C. VCF-style: chr10-102509233-A-C. GRCh37 (hg19) VCF-style: chr10-104268990-A-C.
Other names: c.247A>C (NM_016169.3); c.247A>C, p.Asn83His (NM_001178133.2); short protein forms N83H.
Identifiers: ClinVar variation 1423376 (VCV001423376.9), dbSNP rs2135620366, ClinGen allele CA377888675.